The following is an entry in ClinVar:

NM_005430.4(WNT1):c.941C>A (p.Ala314Asp)

Gene: WNT1 (Wnt family member 1; plus strand). Cytogenetic location: 12q13.12.
Variant type: single nucleotide variant.
Coding change: c.941C>A on transcript NM_005430.4 (MANE Select); coding-DNA position 941, C replaced by A.
Protein change: p.Ala314Asp; replaces alanine 314 with aspartic acid.
Molecular consequence: missense variant.
Genome position (GRCh38, 1-based): chr12:48,981,468, C>A. VCF-style: chr12-48981468-C-A. GRCh37 (hg19) VCF-style: chr12-49375251-C-A.
Other names: short protein forms A314D.
Identifiers: ClinVar variation 4741639 (VCV004741639.1).
Genomic context (GRCh38, chr12:48,981,468, plus strand): 5'-AATCGCCCAACTTCTGCACGTACAGCGGACGCCTGGGCACAGCAGGCACGGCAGGGCGCG[C>A]CTGTAACAGCTCGTCGCCCGCGCTGGACGGCTGCGAGCTGCTCTGCTGCGGCAGGGGCCA-3'
Protein context (NP_005421.1, residues 304-324): RLGTAGTAGR[Ala314Asp]CNSSSPALDG

ClinVar aggregate classification (germline): Uncertain significance (1 of 4 stars; one submission).

Submission:

Labcorp Genetics (formerly Invitae), Labcorp
Classification: Uncertain significance. Last evaluated: 2025-06-10. Review status: criteria provided, single submitter. Criteria: Invitae Variant Classification Sherloc (09022015). Collection method: clinical testing. Allele origin: germline.
Comment: This sequence change replaces alanine, which is neutral and non-polar, with aspartic acid, which is acidic and polar, at codon 314 of the WNT1 protein (p.Ala314Asp). This variant is not present in population databases (gnomAD no frequency). This variant has not been reported in the literature in individuals affected with WNT1-related conditions. Invitae Evidence Modeling of protein sequence and biophysical properties (such as structural, functional, and spatial information, amino acid conservation, physicochemical variation, residue mobility, and thermodynamic stability) indicates that this missense variant is not expected to disrupt WNT1 protein function with a negative predictive value of 80%. In summary, the available evidence is currently insufficient to determine the role of this variant in disease. Therefore, it has been classified as a Variant of Uncertain Significance.